The following is an entry in ClinVar:

ClinVar aggregate classification (germline): Pathogenic/Likely pathogenic. Review status: criteria provided, multiple submitters, no conflicts (2 of 4 stars). 6 submissions from 5 submitters: Pathogenic (4); Likely pathogenic (1). 1 of the submissions does not count toward it. Last evaluated 2025-11-01.

Conditions:
Breast-ovarian cancer, familial, susceptibility to, 5 (BROVCA5). Identifiers: MedGen C5830615, MONDO:0957530, OMIM 620442.
Hereditary cancer-predisposing syndrome. Also called: Tumor predisposition; Hereditary neoplastic syndrome; Neoplastic Syndromes, Hereditary; Hereditary Cancer Syndrome. Identifiers: Orphanet 140162, MedGen C0027672, MeSH D009386, MONDO:0015356.
Familial cancer of breast. Also called: hereditary breast carcinoma; Hereditary breast cancer; BREAST CANCER, FAMILIAL. Identifiers: Orphanet 227535, MedGen C0346153, MONDO:0016419, OMIM 114480. Disease mechanism: loss of function.
Malignant tumor of breast. Also called: Malignant breast neoplasm; Cancer breast. Identifiers: MedGen C0006142, MONDO:0007254. Disease mechanism: loss of function.

Submissions (6):

CeGaT Center for Human Genetics Tuebingen
Classification: Pathogenic. Last evaluated: 2025-11-01. Review status: criteria provided, single submitter. Criteria: CeGaT Center For Human Genetics Tuebingen Variant Classification Criteria Version 2. Collection method: clinical testing. Allele origin: germline. Affected: yes. Observed: 1 variant allele.
Comment: PALB2: PVS1, PM2, PS4:Supporting

Labcorp Genetics (formerly Invitae), Labcorp
Classification: Pathogenic for Familial cancer of breast. Last evaluated: 2024-03-08. Review status: criteria provided, single submitter. Criteria: Invitae Variant Classification Sherloc (09022015). Collection method: clinical testing. Allele origin: germline.
Comment: This sequence change creates a premature translational stop signal (p.Lys563Argfs*36) in the PALB2 gene. It is expected to result in an absent or disrupted protein product. Loss-of-function variants in PALB2 are known to be pathogenic (PMID: 17200668, 17200671, 17200672, 24136930, 25099575). This variant is not present in population databases (gnomAD no frequency). This variant has not been reported in the literature in individuals affected with PALB2-related conditions. ClinVar contains an entry for this variant (Variation ID: 819816). For these reasons, this variant has been classified as Pathogenic.

Myriad Genetics, Inc.
Classification: Pathogenic for Familial cancer of breast. Last evaluated: 2023-09-11. Review status: criteria provided, single submitter. Criteria: Myriad Autosomal Dominant, Autosomal Recessive and X-Linked Classification Criteria (2023). Collection method: clinical testing. Allele origin: unknown.
Comment: This variant is considered pathogenic. This variant creates a frameshift predicted to result in premature protein truncation.

Department of Pathology and Laboratory Medicine, Sinai Health System
Classification: Likely pathogenic for Breast-ovarian cancer, familial, susceptibility to, 5. Last evaluated: 2019-04-01. Review status: criteria provided, single submitter. Criteria: ACMG Guidelines, 2015. Collection method: research. Allele origin: germline.

Ambry Genetics
Classification: Pathogenic for Hereditary cancer-predisposing syndrome. Last evaluated: 2018-05-08. Review status: criteria provided, single submitter. Criteria: Ambry Variant Classification Scheme 2023. Collection method: clinical testing. Allele origin: germline.
Comment: The c.1686delG pathogenic mutation, located in coding exon 5 of the PALB2 gene, results from a deletion of one nucleotide at nucleotide position 1686, causing a translational frameshift with a predicted alternate stop codon (p.K563Rfs*36). This alteration is expected to result in loss of function by premature protein truncation or nonsense-mediated mRNA decay. As such, this alteration is interpreted as a disease-causing mutation.

Department of Pathology and Laboratory Medicine, Sinai Health System
Classification: Likely pathogenic for Malignant tumor of breast. Review status: no assertion criteria provided. Collection method: clinical testing. Allele origin: unknown. Affected: yes. Study: The Canadian Open Genetics Repository (COGR). Not counted in ClinVar's aggregate classification.
Comment: The PALB2 p.Lys563ArgfsX36 variant was not identified in the literature nor was it identified in the following databases: dbSNP, ClinVar, Clinvitae, COSMIC, MutDB, LOVD 3.0, or the Zhejiang Colon Cancer Database. The variant was not identified in the 1000 Genomes Project, the NHLBI GO Exome Sequencing Project, the Exome Aggregation Consortium (August 8th 2016) or the Genome Aggregation Consortium (Feb 27, 2017) control databases. The c.1686delG variant is predicted to cause a frameshift, which alters the protein's amino acid sequence beginning at codon 563 and leads to a premature stop codon 36 codons downstream. This alteration is then predicted to result in a truncated or absent protein and loss of function. Loss of function variants of the PALB2 gene are an established mechanism of disease in hereditary breast and ovarian cancer and is the type of variant expected to cause the disorder. In summary, based on the above information the clinical significance of this variant cannot be determined with certainty at this time although we would lean towards a more pathogenic role for this variant. This variant is classified as likely pathogenic.

Literature cited by the submitters: PubMed 17200668 (cited by Labcorp Genetics (formerly Invitae), Labcorp); PubMed 17200671 (cited by Labcorp Genetics (formerly Invitae), Labcorp); PubMed 17200672 (cited by Labcorp Genetics (formerly Invitae), Labcorp); PubMed 24136930 (cited by Labcorp Genetics (formerly Invitae), Labcorp); PubMed 25099575 (cited by Labcorp Genetics (formerly Invitae), Labcorp).

NM_024675.4(PALB2):c.1686del

Gene: PALB2 (partner and localizer of BRCA2; minus strand). Cytogenetic location: 16p12.2.
Variant type: Deletion.
Coding change: c.1686del on transcript NM_024675.4 (MANE Select); coding-DNA position 1686, one base deleted (G; older notation c.1686delG).
Molecular consequence: splice acceptor variant. On other transcripts: intron variant (1).
Genome position (GRCh38, 1-based): chr16:23,630,468, C deleted on the plus strand (G on the coding strand, the reverse complement: PALB2 is on the minus strand); the first of 3 consecutive C bases (chr16:23,630,468-23,630,470); deleting any one gives the same sequence. VCF-style (leftmost placement, unchanged base first): chr16-23630467-TC-T. GRCh37 (hg19) VCF-style: chr16-23641788-TC-T.
Other names: c.1686delG (NM_024675.3); c.49-1193del (NM_001407314.1).
Identifiers: ClinVar variation 819816 (VCV000819816.17), dbSNP rs1597091518, ClinGen allele CA915949198.